The following is an entry in ClinVar:

ClinVar aggregate classification (germline): Uncertain significance (1 of 4 stars; one submission).

Conditions:
Biotin-responsive basal ganglia disease (BTBGD). Also called: THIAMINE METABOLISM DYSFUNCTION SYNDROME 2 (BIOTIN- AND THIAMINE-RESPONSIVE TYPE); Thiamine metabolism dysfunction syndrome 2 (biotin- or thiamine-responsive encephalopathy type 2); thiamine-responsive encephalopathy; Thiamine metabolism dysfunction syndrome type 2; Thiamine Transporter-2 Deficiency. Identifiers: Orphanet 199348, Orphanet 65284, MedGen C1843807, MONDO:0011841, OMIM 607483.

Submission:

Labcorp Genetics (formerly Invitae), Labcorp
Classification: Uncertain significance for Biotin-responsive basal ganglia disease. Last evaluated: 2021-08-26. Review status: criteria provided, single submitter. Criteria: Invitae Variant Classification Sherloc (09022015). Collection method: clinical testing. Allele origin: germline.
Comment: This sequence change replaces proline with leucine at codon 484 of the SLC19A3 protein (p.Pro484Leu). The proline residue is moderately conserved and there is a moderate physicochemical difference between proline and leucine. This variant is not present in population databases (ExAC no frequency). This variant has not been reported in the literature in individuals affected with SLC19A3-related conditions. Algorithms developed to predict the effect of missense changes on protein structure and function output the following: SIFT: "Tolerated"; PolyPhen-2: "Benign"; Align-GVGD: "Class C0". The leucine amino acid residue is found in multiple mammalian species, which suggests that this missense change does not adversely affect protein function. In summary, the available evidence is currently insufficient to determine the role of this variant in disease. Therefore, it has been classified as a Variant of Uncertain Significance.

NM_025243.4(SLC19A3):c.1451C>T (p.Pro484Leu)

Gene: SLC19A3 (solute carrier family 19 member 3; minus strand). Cytogenetic location: 2q36.3.
Variant type: single nucleotide variant.
Coding change: c.1451C>T on transcript NM_025243.4 (MANE Select); coding-DNA position 1451, C replaced by T.
Protein change: p.Pro484Leu; replaces proline 484 with leucine.
Molecular consequence: missense variant.
Genome position (GRCh38, 1-based): chr2:227,687,437, G>A on the plus strand (C>T on the coding strand, the complement: SLC19A3 is on the minus strand). VCF-style: chr2-227687437-G-A. GRCh37 (hg19) VCF-style: chr2-228552153-G-A.
Other names: short protein forms P484L.
Identifiers: ClinVar variation 652148 (VCV000652148.8), dbSNP rs1574540362, ClinGen allele CA350875010.
Genomic context (GRCh38, chr2:227,687,437, plus strand): 5'-TTGCGTTTGTTGCGATGAGGTTAGAGTTTTGTTGACATGATGATATTACTCTCTTCCTCT[G>A]GGTGAGACACATCTGGATTCTCACTTGGAGCAGGGCTCTGTACATCCTTCTGGGATTTGG-3'
Protein context (NP_079519.1, residues 474-494): APSENPDVSH[Pro484Leu]EEESNIIMST